The following is an entry in ClinVar:

ClinVar aggregate classification (germline): Uncertain significance (1 of 4 stars; one submission).

Conditions:
KBG syndrome (KBGS). Also called: ANKRD11-Related KBG Syndrome. Identifiers: Orphanet 2332, MedGen C0220687, MONDO:0007846, OMIM 148050.

Allele frequency attached by ClinVar (database versions not stated): ExAC 0.00002.
gnomAD v4.1: 9 of 1,613,334 alleles (0.00056%); highest among the groups gnomAD compares: South Asian, 0.0077%; no homozygotes.

Submission:

Labcorp Genetics (formerly Invitae), Labcorp
Classification: Uncertain significance for KBG syndrome. Last evaluated: 2023-08-01. Review status: criteria provided, single submitter. Criteria: Invitae Variant Classification Sherloc (09022015). Collection method: clinical testing. Allele origin: germline.
Comment: In summary, the available evidence is currently insufficient to determine the role of this variant in disease. Therefore, it has been classified as a Variant of Uncertain Significance. Advanced modeling of protein sequence and biophysical properties (such as structural, functional, and spatial information, amino acid conservation, physicochemical variation, residue mobility, and thermodynamic stability) performed at Invitae indicates that this missense variant is not expected to disrupt ANKRD11 protein function. This variant has not been reported in the literature in individuals affected with ANKRD11-related conditions. This variant is present in population databases (rs748247992, gnomAD 0.01%). This sequence change replaces phenylalanine, which is neutral and non-polar, with leucine, which is neutral and non-polar, at codon 1803 of the ANKRD11 protein (p.Phe1803Leu).

NM_013275.6(ANKRD11):c.5409C>A (p.Phe1803Leu)

Gene: ANKRD11 (ankyrin repeat domain 11; minus strand). Cytogenetic location: 16q24.3.
Variant type: single nucleotide variant.
Coding change: c.5409C>A on transcript NM_013275.6 (MANE Select); coding-DNA position 5409, C replaced by A.
Protein change: p.Phe1803Leu; replaces phenylalanine 1803 with leucine.
Molecular consequence: missense variant.
Genome position (GRCh38, 1-based): chr16:89,281,133, G>T on the plus strand (C>A on the coding strand, the complement: ANKRD11 is on the minus strand). VCF-style: chr16-89281133-G-T. GRCh37 (hg19) VCF-style: chr16-89347541-G-T.
Other names: c.5409C>A, p.Phe1803Leu (NM_001256182.2, NM_001256183.2); short protein forms F1803L.
Identifiers: ClinVar variation 2704301 (VCV002704301.3), dbSNP rs748247992, ClinGen allele CA8241854.